The following is an entry in ClinVar:

ClinVar aggregate classification (germline): Benign. Review status: criteria provided, multiple submitters, no conflicts (2 of 4 stars). 2 submissions from 2 submitters: Benign (2). Last evaluated 2018-06-14.

Allele frequency attached by ClinVar (database versions not stated): gnomAD exomes 0.00464 and 0.01033; ESP Exome Variant Server 0.00971; gnomAD 0.01157 and 0.01316; ExAC 0.01161; TOPMed 0.01311; 1000 Genomes Project 30x 0.02748; 1000 Genomes Project 0.02835.
gnomAD v4.1: 8,915 of 1,614,128 alleles (0.55%); highest among the groups gnomAD compares: South Asian, 5.3%; 217 homozygotes.

Submissions (2):

GeneDx
Classification: Benign. Last evaluated: 2018-06-14. Review status: criteria provided, single submitter. Criteria: GeneDx Variant Classification (06012015). Collection method: clinical testing. Allele origin: germline. Affected: yes.
Comment: This variant is considered likely benign or benign based on one or more of the following criteria: it is a conservative change, it occurs at a poorly conserved position in the protein, it is predicted to be benign by multiple in silico algorithms, and/or has population frequency not consistent with disease.

Breakthrough Genomics
Classification: Benign. Review status: criteria provided, single submitter. Criteria: ACMG Guidelines, 2015. Collection method: not provided. Allele origin: germline. Inheritance: Autosomal recessive inheritance. Affected: yes.

NM_015681.6(B9D1):c.404+52A>G

Gene: B9D1 (B9 domain containing 1; minus strand). Cytogenetic location: 17p11.2.
Variant type: single nucleotide variant.
Coding change: c.404+52A>G on transcript NM_015681.6 (MANE Select); 52 bases into the intron after coding-DNA position 404, A replaced by G.
Molecular consequence: intron variant.
Genome position (GRCh38, 1-based): chr17:19,347,217, T>C on the plus strand (A>G on the coding strand, the complement: B9D1 is on the minus strand). VCF-style: chr17-19347217-T-C. GRCh37 (hg19) VCF-style: chr17-19250530-T-C.
Other names: c.44+52A>G (NM_001368769.2); c.404+52A>G (NM_001321219.2, NM_001321218.2, NM_001321217.2 and 3 more transcripts); c.405-21A>G (NM_001321216.2).
Identifiers: ClinVar variation 675968 (VCV000675968.2), dbSNP rs79716743, ClinGen allele CA8440223.
Genomic context (GRCh38, chr17:19,347,217, plus strand): 5'-TGGAGCAGCTTGCAGATCTGAGGAGGCGACCAGGCACAAACTGAGGGGTAGAATGGGACA[T>C]CCATTCATCCAGTAGATCAGGAGGGGCTGGGGTTATGGGTACAAAACTCACCTTGTAAAC-3'